The following is an entry in ClinVar:

NM_000371.4(TTR):c.231del (p.Leu78fs)

Gene: TTR (transthyretin; plus strand). Cytogenetic location: 18q12.1.
Variant type: Deletion.
Coding change: c.231del on transcript NM_000371.4 (MANE Select); coding-DNA position 231, one base deleted (G; older notation c.231delG).
Protein change: p.Leu78fs; shifts the reading frame from leucine 78.
Molecular consequence: frameshift variant.
Genome position (GRCh38, 1-based): chr18:31,595,150, G deleted; the last of 3 consecutive G bases (chr18:31,595,148-31,595,150); deleting any one gives the same sequence. VCF-style (leftmost placement, unchanged base first): chr18-31595147-TG-T. GRCh37 (hg19) VCF-style: chr18-29175110-TG-T.
Other names: c.231delG, p.Leu78Serfs (NM_000371.3); short protein forms L78fs.
Identifiers: ClinVar variation 2442894 (VCV002442894.3), dbSNP rs2510933008, ClinGen allele CA2580095593.
Genomic context (GRCh38, chr18:31,595,147, plus strand): 5'-GCGTAACTTAATCCAGACTTTCACACCTTATAGGAAAACCAGTGAGTCTGGAGAGCTGCA[TG>T]GGCTCACAACTGAGGAGGAATTTGTAGAAGGGATATACAAAGTGGAAATAGACACCAAAT-3'

ClinVar aggregate classification (germline): Uncertain significance. Review status: criteria provided, multiple submitters, no conflicts (2 of 4 stars). 2 submissions from 2 submitters: Uncertain significance (2). Last evaluated 2025-05-14.

Conditions:
Amyloidosis, hereditary systemic 1 (AMYLD1). Also called: AMYLOID CARDIOMYOPATHY; Hereditary Transthyretin Amyloidosis; Familial amyloid polyneuropathy; Transthyretin Amyloidosis; Hereditary oculoleptomeningeal amyloid angiopathy; Familial Transthyretin Amyloidosis. Identifiers: Orphanet 85447, Orphanet 85451, MedGen C2751492, MONDO:0971004, OMIM 105210.
Cardiomyopathy (CMYO). Also called: Cardiomyopathies. Identifiers: Orphanet 167848, MedGen C0878544, MONDO:0004994, HP:0001638. Inheritance: Various modes of inheritance.

Submissions (2):

Labcorp Genetics (formerly Invitae), Labcorp
Classification: Uncertain significance for Amyloidosis, hereditary systemic 1. Last evaluated: 2025-05-14. Review status: criteria provided, single submitter. Criteria: Invitae Variant Classification Sherloc (09022015). Collection method: clinical testing. Allele origin: germline.
Comment: This sequence change creates a premature translational stop signal (p.Leu78Serfs*8) in the TTR gene. It is expected to result in an absent or disrupted protein product. However, the current clinical and genetic evidence is not sufficient to establish whether loss-of-function variants in TTR cause disease. This variant is not present in population databases (gnomAD no frequency). This variant has not been reported in the literature in individuals affected with TTR-related conditions. ClinVar contains an entry for this variant (Variation ID: 2442894). In summary, the available evidence is currently insufficient to determine the role of this variant in disease. Therefore, it has been classified as a Variant of Uncertain Significance.

CHEO Genetics Diagnostic Laboratory, Children's Hospital of Eastern Ontario
Classification: Uncertain significance for Cardiomyopathy. Last evaluated: 2021-12-06. Review status: criteria provided, single submitter. Criteria: ACMG Guidelines, 2015. Collection method: clinical testing. Allele origin: germline.